The following is an entry in ClinVar:

ClinVar aggregate classification (germline): Uncertain significance (1 of 4 stars; one submission).

Conditions:
Inborn genetic diseases. Identifiers: MedGen C0950123, MeSH D030342.

gnomAD v4.1: 1 of 1,608,524 alleles (0.000062%); highest among the groups gnomAD compares: Non-Finnish European, 0.000085%; no homozygotes.

Submission:

Ambry Genetics
Classification: Uncertain significance for Inborn genetic diseases. Last evaluated: 2025-09-19. Review status: criteria provided, single submitter. Criteria: Ambry Variant Classification Scheme 2023. Collection method: clinical testing. Allele origin: germline.
Comment: The p.M463T variant (also known as c.1388T>C), located in coding exon 13 of the ANKRD26 gene, results from a T to C substitution at nucleotide position 1388. The methionine at codon 463 is replaced by threonine, an amino acid with similar properties. This amino acid position is conserved. In addition, this alteration is predicted to be tolerated by in silico analysis. Based on the available evidence, the clinical significance of this variant remains unclear.

NM_014915.3(ANKRD26):c.1388T>C (p.Met463Thr)

Gene: ANKRD26 (ankyrin repeat domain 26; minus strand). Cytogenetic location: 10p12.1.
Variant type: single nucleotide variant.
Coding change: c.1388T>C on transcript NM_014915.3 (MANE Select); coding-DNA position 1388, T replaced by C.
Protein change: p.Met463Thr; replaces methionine 463 with threonine.
Molecular consequence: missense variant.
Genome position (GRCh38, 1-based): chr10:27,061,218, A>G on the plus strand (T>C on the coding strand, the complement: ANKRD26 is on the minus strand). VCF-style: chr10-27061218-A-G. GRCh37 (hg19) VCF-style: chr10-27350147-A-G.
Other names: c.1388T>C, p.Met463Thr (NM_001256053.2); short protein forms M463T.
Identifiers: ClinVar variation 4578817 (VCV004578817.1).
Genomic context (GRCh38, chr10:27,061,218, plus strand): 5'-GGCATGCCTACATTTCTTGTATCCTCTAGTTTAGCCATCTTAAAGTTTCTTGATCCACTC[A>G]TGCAAGAAGGTATATAAAACACATCTAAGAAATAATACATAATAAGCTTTCAATATTGTA-3'
Protein context (NP_055730.2, residues 453-473): AEDVFYIPSC[Met463Thr]SGSRNFKMAK